The following is an entry in ClinVar:

ClinVar aggregate classification (germline): Uncertain significance (1 of 4 stars; one submission).

Conditions:
Aicardi-Goutieres syndrome 5. Identifiers: Orphanet 51, MedGen C2749659, MONDO:0013059, OMIM 612952.

Submission:

Labcorp Genetics (formerly Invitae), Labcorp
Classification: Uncertain significance for Aicardi-Goutieres syndrome 5. Last evaluated: 2023-09-11. Review status: criteria provided, single submitter. Criteria: Invitae Variant Classification Sherloc (09022015). Collection method: clinical testing. Allele origin: germline.
Comment: In summary, the available evidence is currently insufficient to determine the role of this variant in disease. Therefore, it has been classified as a Variant of Uncertain Significance. Advanced modeling of protein sequence and biophysical properties (such as structural, functional, and spatial information, amino acid conservation, physicochemical variation, residue mobility, and thermodynamic stability) performed at Invitae indicates that this missense variant is not expected to disrupt SAMHD1 protein function. ClinVar contains an entry for this variant (Variation ID: 2103426). This variant has not been reported in the literature in individuals affected with SAMHD1-related conditions. This variant is not present in population databases (gnomAD no frequency). This sequence change replaces valine, which is neutral and non-polar, with alanine, which is neutral and non-polar, at codon 112 of the SAMHD1 protein (p.Val112Ala).

NM_015474.4(SAMHD1):c.335T>C (p.Val112Ala)

Gene: SAMHD1 (SAM and HD domain containing deoxynucleoside triphosphate triphosphohydrolase 1; minus strand). Cytogenetic location: 20q11.23.
Variant type: single nucleotide variant.
Coding change: c.335T>C on transcript NM_015474.4 (MANE Select); coding-DNA position 335, T replaced by C.
Protein change: p.Val112Ala; replaces valine 112 with alanine.
Molecular consequence: missense variant.
Genome position (GRCh38, 1-based): chr20:36,941,052, A>G on the plus strand (T>C on the coding strand, the complement: SAMHD1 is on the minus strand). VCF-style: chr20-36941052-A-G. GRCh37 (hg19) VCF-style: chr20-35569455-A-G.
Other names: c.335T>C, p.Val112Ala (NM_001363729.2, NM_001363733.2); short protein forms V112A.
Identifiers: ClinVar variation 2103426 (VCV002103426.4), dbSNP rs2515272225, ClinGen allele CA408827126.
Genomic context (GRCh38, chr20:36,941,052, plus strand): 5'-TATATCACTTTATATTCAAAAAACATAACAAACTCAGATCCTCTTACCTTCATTGTATCA[A>G]CGTGGATTTGAACCAATCGCTGGATATAACTAAGCAGCTTCTTCCTCTCCCCCAAGGAAC-3'
Protein context (NP_056289.2, residues 102-122): SYIQRLVQIH[Val112Ala]DTMKVINDPI